The following is an entry in ClinVar:

ClinVar aggregate classification (germline): Pathogenic (1 of 4 stars; one submission).

Submission:

GeneDx
Classification: Pathogenic. Last evaluated: 2023-09-26. Review status: criteria provided, single submitter. Criteria: GeneDx Variant Classification Process June 2021. Collection method: clinical testing. Allele origin: germline. Affected: yes.
Comment: De novo variant with confirmed parentage in a patient with clinical features of ASXL3-related neurodevelopmental disorder with multiple anomalies in published literature (PMID: 34436830); Frameshift variant predicted to result in protein truncation or nonsense mediated decay in a gene for which loss of function is a known mechanism of disease; Not observed at significant frequency in large population cohorts (gnomAD); This variant is associated with the following publications: (PMID: 34436830)

NM_030632.3(ASXL3):c.1579del (p.Gln527fs)

Gene: ASXL3 (ASXL transcriptional regulator 3; plus strand). Cytogenetic location: 18q12.1.
Variant type: Deletion.
Coding change: c.1579del on transcript NM_030632.3 (MANE Select); coding-DNA position 1579, one base deleted (C; older notation c.1579delC).
Protein change: p.Gln527fs; shifts the reading frame from glutamine 527.
Molecular consequence: frameshift variant.
Genome position (GRCh38, 1-based): chr18:33,738,983, C deleted; the last of 4 consecutive C bases (chr18:33,738,980-33,738,983); deleting any one gives the same sequence. VCF-style (leftmost placement, unchanged base first): chr18-33738979-AC-A. GRCh37 (hg19) VCF-style: chr18-31318943-AC-A.
Other names: c.1579delC (NM_030632.1); c.1579del (NM_030632.1); short protein forms Q527fs.
Identifiers: ClinVar variation 817942 (VCV000817942.3), dbSNP rs1599563269, ClinGen allele CA915951349.